The following is an entry in ClinVar:

NM_006939.4(SOS2):c.203A>G (p.Gln68Arg)

Gene: SOS2 (SOS Ras/Rho guanine nucleotide exchange factor 2; minus strand). Cytogenetic location: 14q21.3.
Variant type: single nucleotide variant.
Coding change: c.203A>G on transcript NM_006939.4 (MANE Select); coding-DNA position 203, A replaced by G.
Protein change: p.Gln68Arg; replaces glutamine 68 with arginine.
Molecular consequence: missense variant.
Genome position (GRCh38, 1-based): chr14:50,204,294, T>C on the plus strand (A>G on the coding strand, the complement: SOS2 is on the minus strand). VCF-style: chr14-50204294-T-C. GRCh37 (hg19) VCF-style: chr14-50671012-T-C.
Other names: c.203A>G, p.Gln68Arg (NM_001411020.1); short protein forms Q68R.
Identifiers: ClinVar variation 3225958 (VCV003225958.1), dbSNP rs2503209228, ClinGen allele CA389650984.

ClinVar aggregate classification (germline): Uncertain significance (1 of 4 stars; one submission).

Conditions:
Cardiovascular phenotype. Identifiers: MedGen CN230736.

Submission:

Ambry Genetics
Classification: Uncertain significance for Cardiovascular phenotype. Last evaluated: 2024-03-08. Review status: criteria provided, single submitter. Criteria: Ambry Variant Classification Scheme 2023. Collection method: clinical testing. Allele origin: germline.
Comment: The p.Q68R variant (also known as c.203A>G), located in coding exon 2 of the SOS2 gene, results from an A to G substitution at nucleotide position 203. The glutamine at codon 68 is replaced by arginine, an amino acid with highly similar properties. This amino acid position is conserved. In addition, the in silico prediction for this alteration is inconclusive. Based on the available evidence, the clinical significance of this alteration remains unclear.